The following is an entry in ClinVar:

NM_153603.4(COG7):c.614A>C (p.Lys205Thr)

Gene: COG7 (component of oligomeric golgi complex 7; minus strand). Cytogenetic location: 16p12.2.
Variant type: single nucleotide variant.
Coding change: c.614A>C on transcript NM_153603.4 (MANE Select); coding-DNA position 614, A replaced by C.
Protein change: p.Lys205Thr; replaces lysine 205 with threonine.
Molecular consequence: missense variant.
Genome position (GRCh38, 1-based): chr16:23,434,709, T>G on the plus strand (A>C on the coding strand, the complement: COG7 is on the minus strand). VCF-style: chr16-23434709-T-G. GRCh37 (hg19) VCF-style: chr16-23446030-T-G.
Other names: short protein forms K205T.
Identifiers: ClinVar variation 2903597 (VCV002903597.1), dbSNP rs568813084, ClinGen allele CA279482749.

ClinVar aggregate classification (germline): Uncertain significance (1 of 4 stars; one submission).

Conditions:
COG7 congenital disorder of glycosylation (CDG2E). Also called: CONGENITAL DISORDER OF GLYCOSYLATION, TYPE IIe; CDG IIe. Identifiers: Orphanet 79333, MedGen C2931010, MONDO:0012118, OMIM 608779.

Allele frequency attached by ClinVar (database versions not stated): TOPMed 0.00001.
gnomAD v4.1: 17 of 1,611,594 alleles (0.0011%); highest among the groups gnomAD compares: African/African-American, 0.0067%; 1 homozygote.

Submission:

Labcorp Genetics (formerly Invitae), Labcorp
Classification: Uncertain significance for COG7 congenital disorder of glycosylation. Last evaluated: 2023-11-19. Review status: criteria provided, single submitter. Criteria: Invitae Variant Classification Sherloc (09022015). Collection method: clinical testing. Allele origin: germline.
Comment: This sequence change replaces lysine, which is basic and polar, with threonine, which is neutral and polar, at codon 205 of the COG7 protein (p.Lys205Thr). This variant is not present in population databases (gnomAD no frequency). This variant has not been reported in the literature in individuals affected with COG7-related conditions. Advanced modeling of protein sequence and biophysical properties (such as structural, functional, and spatial information, amino acid conservation, physicochemical variation, residue mobility, and thermodynamic stability) performed at Invitae indicates that this missense variant is expected to disrupt COG7 protein function with a positive predictive value of 80%. In summary, the available evidence is currently insufficient to determine the role of this variant in disease. Therefore, it has been classified as a Variant of Uncertain Significance.